The following is an entry in ClinVar:

NM_014270.5(SLC7A9):c.709C>A (p.Gln237Lys)

Gene: SLC7A9 (solute carrier family 7 member 9; minus strand). Cytogenetic location: 19q13.11.
Variant type: single nucleotide variant.
Coding change: c.709C>A on transcript NM_014270.5 (MANE Select); coding-DNA position 709, C replaced by A.
Protein change: p.Gln237Lys; replaces glutamine 237 with lysine.
Molecular consequence: missense variant.
Genome position (GRCh38, 1-based): chr19:32,860,646, G>T on the plus strand (C>A on the coding strand, the complement: SLC7A9 is on the minus strand). VCF-style: chr19-32860646-G-T. GRCh37 (hg19) VCF-style: chr19-33351552-G-T.
Other names: c.709C>A, p.Gln237Lys (NM_001126335.2, NM_001243036.2); short protein forms Q237K.
Identifiers: ClinVar variation 4526834 (VCV004526834.2).

ClinVar aggregate classification (germline): Conflicting classifications of pathogenicity. Review status: criteria provided, conflicting classifications (1 of 4 stars). 2 submissions from 2 submitters: Likely pathogenic (1); Uncertain significance (1). Last evaluated 2025-10-03.

Conditions:
Cystinuria (CSNU). Also called: CYSTINURIA, TYPE I; CYSTINURIA, TYPE II; CYSTINURIA, TYPE III; Cystinuria, non-type I. Identifiers: Orphanet 214, MedGen C0010691, MONDO:0009067, OMIM 220100, HP:0003131.

Submissions (2):

Rare Kidney Stone Consortium and the Mayo Clinic Hyperoxaluria Center, Mayo Clinic
Classification: Likely pathogenic for Cystinuria. Last evaluated: 2025-10-03. Review status: criteria provided, single submitter. Criteria: ACMG Guidelines, 2015. Collection method: research. Allele origin: germline. Affected: yes. Observed: 1 variant allele.
Comment: ACMG:PM1, PM2, PP3, PM6, PP4

Blueprint Genetics
Classification: Uncertain significance. Last evaluated: 2023-04-28. Review status: criteria provided, single submitter. Criteria: ACMG Guidelines, 2015. Collection method: clinical testing. Allele origin: germline.

Literature cited by the submitters: PubMed 40794449 (cited by Rare Kidney Stone Consortium and the Mayo Clinic Hyperoxaluria Center, Mayo Clinic).